The following is an entry in ClinVar:

NM_015450.3(POT1):c.388C>T (p.His130Tyr)

Gene: POT1 (protection of telomeres 1; minus strand). Cytogenetic location: 7q31.33.
Variant type: single nucleotide variant.
Coding change: c.388C>T on transcript NM_015450.3 (MANE Select); coding-DNA position 388, C replaced by T.
Protein change: p.His130Tyr; replaces histidine 130 with tyrosine.
Molecular consequence: missense variant. On other transcripts: 5 prime UTR variant (1), non-coding transcript variant (3).
Genome position (GRCh38, 1-based): chr7:124,863,508, G>A on the plus strand (C>T on the coding strand, the complement: POT1 is on the minus strand). VCF-style: chr7-124863508-G-A. GRCh37 (hg19) VCF-style: chr7-124503562-G-A.
Other names: c.-6C>T (NM_001042594.2); short protein forms H130Y.
Identifiers: ClinVar variation 486145 (VCV000486145.5), dbSNP rs1554426951, ClinGen allele CA369059607.

ClinVar aggregate classification (germline): Uncertain significance (1 of 4 stars; one submission).

Conditions:
Hereditary cancer-predisposing syndrome. Also called: Tumor predisposition; Hereditary Cancer Syndrome; Hereditary neoplastic syndrome; Neoplastic Syndromes, Hereditary. Identifiers: Orphanet 140162, MedGen C0027672, MeSH D009386, MONDO:0015356.

Submission:

Ambry Genetics
Classification: Uncertain significance for Hereditary cancer-predisposing syndrome. Last evaluated: 2022-09-26. Review status: criteria provided, single submitter. Criteria: Ambry Variant Classification Scheme 2023. Collection method: clinical testing. Allele origin: germline.
Comment: The p.H130Y variant (also known as c.388C>T), located in coding exon 4 of the POT1 gene, results from a C to T substitution at nucleotide position 388. The histidine at codon 130 is replaced by tyrosine, an amino acid with similar properties. This amino acid position is poorly conserved in available vertebrate species. In addition, this alteration is predicted to be tolerated by in silico analysis. Since supporting evidence is limited at this time, the clinical significance of this alteration remains unclear.